The following is an entry in ClinVar:

ClinVar aggregate classification (germline): Uncertain significance. Review status: criteria provided, multiple submitters, no conflicts (2 of 4 stars). 3 submissions from 3 submitters: Uncertain significance (3). Last evaluated 2025-09-02.

Conditions:
Retinal dystrophy. Also called: Inherited retinal dystrophy. Identifiers: Orphanet 71862, MedGen C0854723, MeSH D058499, MONDO:0019118, HP:0000556.
Retinitis pigmentosa 13 (RP13). Also called: PRPF 8-Related Retinitis Pigmentosa. Identifiers: Orphanet 791, MedGen C1838702, MONDO:0010806, OMIM 600059.

Allele frequency attached by ClinVar (database versions not stated): gnomAD exomes 0.00001; TOPMed 0.00003; ExAC 0.00001; gnomAD 0.00001; ESP Exome Variant Server 0.00008.
gnomAD v4.1: 15 of 1,613,812 alleles (0.00093%); highest among the groups gnomAD compares: East Asian, 0.016%; no homozygotes.

Submissions (3):

Labcorp Genetics (formerly Invitae), Labcorp
Classification: Uncertain significance. Last evaluated: 2025-09-02. Review status: criteria provided, single submitter. Criteria: Invitae Variant Classification Sherloc (09022015). Collection method: clinical testing. Allele origin: germline.
Comment: This sequence change replaces alanine, which is neutral and non-polar, with threonine, which is neutral and polar, at codon 1704 of the PRPF8 protein (p.Ala1704Thr). This variant is present in population databases (rs369956356, gnomAD 0.006%). This variant has not been reported in the literature in individuals affected with PRPF8-related conditions. ClinVar contains an entry for this variant (Variation ID: 3028445). Invitae Evidence Modeling of protein sequence and biophysical properties (such as structural, functional, and spatial information, amino acid conservation, physicochemical variation, residue mobility, and thermodynamic stability) indicates that this missense variant is not expected to disrupt PRPF8 protein function with a negative predictive value of 80%. In summary, the available evidence is currently insufficient to determine the role of this variant in disease. Therefore, it has been classified as a Variant of Uncertain Significance.

Fulgent Genetics
Classification: Uncertain significance for Retinitis pigmentosa 13. Last evaluated: 2024-01-17. Review status: criteria provided, single submitter. Criteria: ACMG Guidelines, 2015. Collection method: clinical testing. Allele origin: germline.

Dept Of Ophthalmology, Nagoya University
Classification: Uncertain significance for Retinal dystrophy. Last evaluated: 2023-10-01. Review status: criteria provided, single submitter. Criteria: Submitter's publication. Collection method: research. Allele origin: germline. Affected: yes.

NM_006445.4(PRPF8):c.5110G>A (p.Ala1704Thr)

Gene: PRPF8 (pre-mRNA processing factor 8; minus strand). Cytogenetic location: 17p13.3.
Variant type: single nucleotide variant.
Coding change: c.5110G>A on transcript NM_006445.4 (MANE Select); coding-DNA position 5110, G replaced by A.
Protein change: p.Ala1704Thr; replaces alanine 1704 with threonine.
Molecular consequence: missense variant.
Genome position (GRCh38, 1-based): chr17:1,659,385, C>T on the plus strand (G>A on the coding strand, the complement: PRPF8 is on the minus strand). VCF-style: chr17-1659385-C-T. GRCh37 (hg19) VCF-style: chr17-1562679-C-T.
Other names: short protein forms A1704T.
Identifiers: ClinVar variation 3028445 (VCV003028445.4), dbSNP rs369956356, ClinGen allele CA8271525.